The following is an entry in ClinVar:

NM_002439.5(MSH3):c.2601T>G (p.Ile867Met)

Gene: MSH3 (mutS homolog 3; plus strand). Cytogenetic location: 5q14.1.
Variant type: single nucleotide variant.
Coding change: c.2601T>G on transcript NM_002439.5 (MANE Select); coding-DNA position 2601, T replaced by G.
Protein change: p.Ile867Met; replaces isoleucine 867 with methionine.
Molecular consequence: missense variant.
Genome position (GRCh38, 1-based): chr5:80,792,790, T>G. VCF-style: chr5-80792790-T-G. GRCh37 (hg19) VCF-style: chr5-80088609-T-G.
Other names: c.2601T>G (NM_002439.3); short protein forms I867M.
Identifiers: ClinVar variation 1974570 (VCV001974570.6), dbSNP rs2546786785, ClinGen allele CA360272950.

ClinVar aggregate classification (germline): Uncertain significance. Review status: criteria provided, multiple submitters, no conflicts (2 of 4 stars). 2 submissions from 2 submitters: Uncertain significance (2). Last evaluated 2024-01-14.

Conditions:
Hereditary cancer-predisposing syndrome. Also called: Hereditary Cancer Syndrome; Neoplastic Syndromes, Hereditary; Tumor predisposition; Hereditary neoplastic syndrome. Identifiers: Orphanet 140162, MedGen C0027672, MeSH D009386, MONDO:0015356.

Submissions (2):

Ambry Genetics
Classification: Uncertain significance for Hereditary cancer-predisposing syndrome. Last evaluated: 2024-01-14. Review status: criteria provided, single submitter. Criteria: Ambry Variant Classification Scheme 2023. Collection method: clinical testing. Allele origin: germline.
Comment: The p.I867M variant (also known as c.2601T>G), located in coding exon 19 of the MSH3 gene, results from a T to G substitution at nucleotide position 2601. The isoleucine at codon 867 is replaced by methionine, an amino acid with highly similar properties. This amino acid position is conserved. In addition, this alteration is predicted to be deleterious by in silico analysis. Since supporting evidence is limited at this time, the clinical significance of this alteration remains unclear.

Labcorp Genetics (formerly Invitae), Labcorp
Classification: Uncertain significance. Last evaluated: 2023-10-16. Review status: criteria provided, single submitter. Criteria: Invitae Variant Classification Sherloc (09022015). Collection method: clinical testing. Allele origin: germline.
Comment: This sequence change replaces isoleucine, which is neutral and non-polar, with methionine, which is neutral and non-polar, at codon 867 of the MSH3 protein (p.Ile867Met). This variant is not present in population databases (gnomAD no frequency). This variant has not been reported in the literature in individuals affected with MSH3-related conditions. ClinVar contains an entry for this variant (Variation ID: 1974570). An algorithm developed to predict the effect of missense changes on protein structure and function (PolyPhen-2) suggests that this variant is likely to be disruptive. In summary, the available evidence is currently insufficient to determine the role of this variant in disease. Therefore, it has been classified as a Variant of Uncertain Significance.